The following is an entry in ClinVar:

NM_003283.6(TNNT1):c.616C>G (p.Arg206Gly)

Gene: TNNT1 (troponin T1, slow skeletal type; minus strand). Cytogenetic location: 19q13.42.
Variant type: single nucleotide variant.
Coding change: c.616C>G on transcript NM_003283.6 (MANE Select); coding-DNA position 616, C replaced by G.
Protein change: p.Arg206Gly; replaces arginine 206 with glycine.
Molecular consequence: missense variant. On other transcripts: intron variant (3).
Genome position (GRCh38, 1-based): chr19:55,134,200, G>C on the plus strand (C>G on the coding strand, the complement: TNNT1 is on the minus strand). VCF-style: chr19-55134200-G-C. GRCh37 (hg19) VCF-style: chr19-55645568-G-C.
Other names: c.579-44C>G (NM_001126133.3, NM_001291774.2); c.612-44C>G (NM_001126132.3); short protein forms R206G.
Identifiers: ClinVar variation 2159812 (VCV002159812.4), dbSNP rs748222508, ClinGen allele CA407432113.

ClinVar aggregate classification (germline): Uncertain significance (1 of 4 stars; one submission).

Conditions:
Nemaline myopathy 5 (NEM5A). Also called: Nemaline myopathy 5, Amish type; NEMALINE MYOPATHY, AMISH TYPE; NEMALINE MYOPATHY 5A, AUTOSOMAL RECESSIVE, SEVERE INFANTILE. Identifiers: Orphanet 98902, MedGen C1854380, MONDO:0011539, OMIM 605355.

gnomAD v4.1: 4 of 1,571,524 alleles (0.00025%); highest among the groups gnomAD compares: Non-Finnish European, 0.00035%; no homozygotes.

Submission:

Labcorp Genetics (formerly Invitae), Labcorp
Classification: Uncertain significance for Nemaline myopathy 5. Last evaluated: 2022-03-23. Review status: criteria provided, single submitter. Criteria: Invitae Variant Classification Sherloc (09022015). Collection method: clinical testing. Allele origin: germline.
Comment: In summary, the available evidence is currently insufficient to determine the role of this variant in disease. Therefore, it has been classified as a Variant of Uncertain Significance. Algorithms developed to predict the effect of missense changes on protein structure and function (SIFT, PolyPhen-2, Align-GVGD) all suggest that this variant is likely to be tolerated. This variant has not been reported in the literature in individuals affected with TNNT1-related conditions. The frequency data for this variant in the population databases is considered unreliable, as metrics indicate poor data quality at this position in the gnomAD database. This sequence change replaces arginine, which is basic and polar, with glycine, which is neutral and non-polar, at codon 206 of the TNNT1 protein (p.Arg206Gly).